The following is an entry in ClinVar:

NM_019842.4(KCNQ5):c.2517C>T (p.Thr839=)

Gene: KCNQ5 (potassium voltage-gated channel subfamily Q member 5; plus strand). Cytogenetic location: 6q13.
Variant type: single nucleotide variant.
Coding change: c.2517C>T on transcript NM_019842.4 (MANE Select); coding-DNA position 2517, C replaced by T.
Protein change: p.Thr839=; no amino-acid change (threonine 839 retained).
Molecular consequence: synonymous variant.
Genome position (GRCh38, 1-based): chr6:73,195,132, C>T. VCF-style: chr6-73195132-C-T. GRCh37 (hg19) VCF-style: chr6-73904855-C-T.
Other names: c.2574C>T (NM_001160133.1); c.2490C>T, p.Thr830= (NM_001160130.2); c.2547C>T, p.Thr849= (NM_001160132.2); c.2574C>T, p.Thr858= (NM_001160133.2); c.2187C>T, p.Thr729= (NM_001160134.2).
Identifiers: ClinVar variation 1648302 (VCV001648302.34), dbSNP rs148860877, ClinGen allele CA3887276.
Genomic context (GRCh38, chr6:73,195,132, plus strand): 5'-TCCCATGGTGCCGAAGGACTTGGGCAAATCTTTGTCTGTGCAAAACCTGATCAGGTCGAC[C>T]GAGGAACTGAATATACAACTTTCAGGGAGTGAGTCAAGTGGCTCCAGAGGCAGCCAAGAT-3'
Protein context (NP_062816.2, residues 829-849): SLSVQNLIRS[Thr839=]EELNIQLSGS

ClinVar aggregate classification (germline): Benign/Likely benign. Review status: criteria provided, multiple submitters, no conflicts (2 of 4 stars). 4 submissions from 4 submitters: Benign (1); Likely benign (2). 1 of the submissions does not count toward it. Last evaluated 2026-06-01.

Conditions:
KCNQ5-related disorder. Also called: KCNQ5-related condition.

Allele frequency attached by ClinVar (database versions not stated): gnomAD exomes 0.00016 and 0.00031; ExAC 0.00041; 1000 Genomes Project 30x 0.00094; 1000 Genomes Project 0.00100; gnomAD 0.00120 and 0.00131; TOPMed 0.00131; ESP Exome Variant Server 0.00200.
gnomAD v4.1: 412 of 1,614,138 alleles (0.026%); highest among the groups gnomAD compares: African/African-American, 0.49%; 3 homozygotes.

Submissions (4):

CeGaT Center for Human Genetics Tuebingen
Classification: Likely benign. Last evaluated: 2026-06-01. Review status: criteria provided, single submitter. Criteria: CeGaT Center For Human Genetics Tuebingen Variant Classification Criteria Version 2. Collection method: clinical testing. Allele origin: germline. Affected: yes. Observed: 2 variant alleles.
Comment: KCNQ5: BP4, BP7, BS1

Labcorp Genetics (formerly Invitae), Labcorp
Classification: Benign. Last evaluated: 2026-01-19. Review status: criteria provided, single submitter. Criteria: Invitae Variant Classification Sherloc (09022015). Collection method: clinical testing. Allele origin: germline.

Blueprint Genetics
Classification: Likely benign. Last evaluated: 2024-06-19. Review status: criteria provided, single submitter. Criteria: ACMG Guidelines, 2015. Collection method: clinical testing. Allele origin: germline.

PreventionGenetics, part of Exact Sciences
Classification: Benign for KCNQ5-related condition. Last evaluated: 2023-02-07. Review status: no assertion criteria provided. Collection method: clinical testing. Allele origin: germline. Not counted in ClinVar's aggregate classification.
Comment: This variant is classified as benign based on ACMG/AMP sequence variant interpretation guidelines (Richards et al. 2015 PMID: 25741868, with internal and published modifications).